The following is an entry in ClinVar:

NM_000094.4(COL7A1):c.8138G>A (p.Gly2713Asp)

Gene: COL7A1 (collagen type VII alpha 1 chain; minus strand). Cytogenetic location: 3p21.31.
Variant type: single nucleotide variant.
Coding change: c.8138G>A on transcript NM_000094.4 (MANE Select); coding-DNA position 8138, G replaced by A.
Protein change: p.Gly2713Asp; replaces glycine 2713 with aspartic acid.
Molecular consequence: missense variant.
Genome position (GRCh38, 1-based): chr3:48,566,995, C>T on the plus strand (G>A on the coding strand, the complement: COL7A1 is on the minus strand). VCF-style: chr3-48566995-C-T. GRCh37 (hg19) VCF-style: chr3-48604428-C-T.
Other names: short protein forms G2713D.
Identifiers: ClinVar variation 1174813 (VCV001174813.10), dbSNP rs369591910, ClinGen allele CA2378140.

ClinVar aggregate classification (germline): Pathogenic. Review status: criteria provided, multiple submitters, no conflicts (2 of 4 stars). 4 submissions from 4 submitters: Pathogenic (2). 2 of the submissions do not count toward it. Last evaluated 2026-09-29.

Conditions:
Recessive dystrophic epidermolysis bullosa (RDEB). Also called: DYSTROPHIC EPIDERMOLYSIS BULLOSA, AUTOSOMAL RECESSIVE; EPIDERMOLYSIS BULLOSA DYSTROPHICA, HALLOPEAU-SIEMENS TYPE; Hallopeau-Siemens Disease; Recessive DEB (RDEB); Epidermolysis Bullosa Distrophica Autosomal Recessive (RDEB); severe generalized recessive dystrophic epidermolysis bullosa. Identifiers: Orphanet 79408, Orphanet 79409, MedGen C0079474, MONDO:0009179, OMIM 226600.

Allele frequency attached by ClinVar (database versions not stated): gnomAD exomes below 0.00001; gnomAD 0.00001; TOPMed 0.00001; ESP Exome Variant Server 0.00008; ExAC 0.00001.
gnomAD v4.1: 1 of 1,612,530 alleles (0.000062%); highest among the groups gnomAD compares: African/African-American, 0.0013%; no homozygotes.

Submissions (4):

GeneDx
Classification: Pathogenic. Last evaluated: 2026-09-29. Review status: criteria provided, single submitter. Criteria: GeneDx Variant Classification Process June 2021. Collection method: clinical testing. Allele origin: germline.
Comment: Located in the highly conserved Gly-X-Y repeat of the collagenous domain; Glycine substitution variants in this region of the COLVII protein destabilize the collagen triple helix resulting in skin fragility due to poor anchoring of the basement membrane to the underlying dermis (PMID: 20301481); Not observed at significant frequency in large population cohorts (gnomAD); In silico analysis supports that this missense variant has a deleterious effect on protein structure/function; This variant is associated with the following publications: (PMID: 36287101, 21448560, 25425313, 9856843, 32484238, 34046686, 10383749, 20301481)

Neuberg Centre For Genomic Medicine, NCGM
Classification: Pathogenic for Recessive dystrophic epidermolysis bullosa. Last evaluated: 2023-06-22. Review status: criteria provided, single submitter. Criteria: ACMG Guidelines, 2015. Collection method: clinical testing. Allele origin: germline. Inheritance: Autosomal dominant inheritance. Affected: yes.
Comment: The missense c.8138G>A(p.Gly2713Asp) variant in COL7A1 gene has been reported in individuals affected with Dystrophic Epidermolysis Bullosa (Yu Y, et. al., 2021; Nagai M, et. al., 2015; Rouan F, et. al., 1998; Mellerio JE, et.al., 1999). This variant is present with an allele frequency of 0.0004% in gnomAD Exomes. This variant has been submitted to the ClinVar database as Pathogenic (multiple submissions). Multiple lines of computational evidence (Polyphen - Probably Damaging, SIFT - Damaging and MutationTaster - Disease causing) predict damaging effect on protein structure and function for this variant. The reference amino acid at this position in COL7A1 is predicted as conserved by GERP++ and PhyloP across 100 vertebrates. The amino acid Gly at position 2713 is changed to a Asp changing protein sequence and it might alter its composition and physico-chemical properties. For these reasons, this variant has been classified as Pathogenic.

Diagnostic Laboratory, Department of Genetics, University Medical Center Groningen
Classification: Pathogenic. Review status: no assertion criteria provided. Collection method: clinical testing. Allele origin: germline. Affected: yes. Study: VKGL Data-share Consensus. Not counted in ClinVar's aggregate classification.

Joint Genome Diagnostic Labs from Nijmegen and Maastricht, Radboudumc and MUMC+
Classification: Pathogenic. Review status: no assertion criteria provided. Collection method: clinical testing. Allele origin: germline. Affected: yes. Study: VKGL Data-share Consensus. Not counted in ClinVar's aggregate classification.